The following is an entry in ClinVar:

NM_000051.4(ATM):c.5851C>G (p.His1951Asp)

Genes: ATM (ATM serine/threonine kinase; plus strand), C11orf65 (chromosome 11 open reading frame 65; minus strand). Cytogenetic location: 11q22.3.
Variant type: single nucleotide variant.
Coding change: c.5851C>G on transcript NM_000051.4 (MANE Select); coding-DNA position 5851, C replaced by G.
Protein change: p.His1951Asp; replaces histidine 1951 with aspartic acid.
Molecular consequence: missense variant. On other transcripts: intron variant (2).
Genome position (GRCh38, 1-based): chr11:108,310,248, C>G. VCF-style: chr11-108310248-C-G. GRCh37 (hg19) VCF-style: chr11-108180975-C-G.
Other names: c.5851C>G, p.His1951Asp (NM_001351834.2); c.641-1177G>C (NM_001330368.2); c.*39-1177G>C (NM_001351110.2); short protein forms H1951D.
Identifiers: ClinVar variation 407675 (VCV000407675.10), dbSNP rs1060501673, ClinGen allele CA16613390.

ClinVar aggregate classification (germline): Uncertain significance. Review status: criteria provided, multiple submitters, no conflicts (2 of 4 stars). 2 submissions from 2 submitters: Uncertain significance (2). Last evaluated 2023-11-03.

Conditions:
Hereditary cancer-predisposing syndrome. Also called: Neoplastic Syndromes, Hereditary; Hereditary Cancer Syndrome; Tumor predisposition; Hereditary neoplastic syndrome. Identifiers: Orphanet 140162, MedGen C0027672, MeSH D009386, MONDO:0015356.
Ataxia-telangiectasia syndrome (AT). Also called: LOUIS-BAR SYNDROME; Cerebello-oculocutaneous telangiectasia; Immunodeficiency with ataxia telangiectasia; Ataxia-telangiectasia, complementation group D; AT, COMPLEMENTATION GROUP C; Ataxia-telangiectasia, complementation group E. Identifiers: Orphanet 100, MedGen C0004135, MONDO:0008840, OMIM 208900.

Submissions (2):

Ambry Genetics
Classification: Uncertain significance for Hereditary cancer-predisposing syndrome. Last evaluated: 2023-11-03. Review status: criteria provided, single submitter. Criteria: Ambry Variant Classification Scheme 2023. Collection method: clinical testing. Allele origin: germline.
Comment: The p.H1951D variant (also known as c.5851C>G), located in coding exon 38 of the ATM gene, results from a C to G substitution at nucleotide position 5851. The histidine at codon 1951 is replaced by aspartic acid, an amino acid with similar properties. This amino acid position is conserved. In addition, this alteration is predicted to be deleterious by in silico analysis. Since supporting evidence is limited at this time, the clinical significance of this alteration remains unclear.

Labcorp Genetics (formerly Invitae), Labcorp
Classification: Uncertain significance for Ataxia-telangiectasia syndrome. Last evaluated: 2022-04-21. Review status: criteria provided, single submitter. Criteria: Invitae Variant Classification Sherloc (09022015). Collection method: clinical testing. Allele origin: germline.
Comment: This sequence change replaces histidine, which is basic and polar, with aspartic acid, which is acidic and polar, at codon 1951 of the ATM protein (p.His1951Asp). This variant is not present in population databases (gnomAD no frequency). This variant has not been reported in the literature in individuals affected with ATM-related conditions. ClinVar contains an entry for this variant (Variation ID: 407675). Algorithms developed to predict the effect of missense changes on protein structure and function are either unavailable or do not agree on the potential impact of this missense change (SIFT: "Deleterious"; PolyPhen-2: "Probably Damaging"; Align-GVGD: "Class C15"). In summary, the available evidence is currently insufficient to determine the role of this variant in disease. Therefore, it has been classified as a Variant of Uncertain Significance.